The following is an entry in ClinVar:

ClinVar aggregate classification (germline): Pathogenic. Review status: criteria provided, multiple submitters, no conflicts (2 of 4 stars). 2 submissions from 2 submitters: Pathogenic (2). Last evaluated 2024-02-17.

Conditions:
Inborn genetic diseases. Identifiers: MedGen C0950123, MeSH D030342.

Submissions (2):

Labcorp Genetics (formerly Invitae), Labcorp
Classification: Pathogenic. Last evaluated: 2024-02-17. Review status: criteria provided, single submitter. Criteria: Invitae Variant Classification Sherloc (09022015). Collection method: clinical testing. Allele origin: germline.
Comment: This sequence change creates a premature translational stop signal (p.Val177Glufs*13) in the FOXRED1 gene. It is expected to result in an absent or disrupted protein product. Loss-of-function variants in FOXRED1 are known to be pathogenic (PMID: 20818383, 20858599). This variant is not present in population databases (gnomAD no frequency). This variant has not been reported in the literature in individuals affected with FOXRED1-related conditions. ClinVar contains an entry for this variant (Variation ID: 2228986). For these reasons, this variant has been classified as Pathogenic.

Ambry Genetics
Classification: Pathogenic for Inborn genetic diseases. Last evaluated: 2021-02-12. Review status: criteria provided, single submitter. Criteria: Ambry Variant Classification Scheme 2023. Collection method: clinical testing. Allele origin: germline.
Comment: The c.530_534delTGCAG (p.V177Efs*13) alteration, located in coding exon 4 of the FOXRED1 gene, consists of a deletion of 5 nucleotides from position 530 to 534, causing a translational frameshift with a predicted alternate stop codon after 13 amino acids. This alteration is expected to result in loss of function by premature protein truncation or nonsense-mediated mRNA decay. Based on the available evidence, this alteration is classified as pathogenic.

Literature cited by the submitters: PubMed 20818383 (cited by Labcorp Genetics (formerly Invitae), Labcorp); PubMed 20858599 (cited by Labcorp Genetics (formerly Invitae), Labcorp).

NM_017547.4(FOXRED1):c.530_534del (p.Val177fs)

Gene: FOXRED1 (FAD dependent oxidoreductase domain containing 1; plus strand). Cytogenetic location: 11q24.2.
Variant type: Deletion.
Coding change: c.530_534del on transcript NM_017547.4 (MANE Select); coding-DNA positions 530 to 534, 5 bases deleted (TGCAG; older notation c.530_534delTGCAG).
Protein change: p.Val177fs; shifts the reading frame from valine 177.
Molecular consequence: frameshift variant. On other transcripts: non-coding transcript variant (2).
Genome position (GRCh38, 1-based): chr11:126,273,448-126,273,452, TGCAG deleted; deleting any 5 consecutive bases within chr11:126,273,446-126,273,452 gives the same sequence; the c. name uses the placement nearest the transcript's 3' end. VCF-style (leftmost placement, unchanged base first): chr11-126273445-AAGTGC-A. GRCh37 (hg19) VCF-style: chr11-126143340-AAGTGC-A.
Other names: short protein forms V177fs.
Identifiers: ClinVar variation 2228986 (VCV002228986.4), dbSNP rs2497179434, ClinGen allele CA2580083834.